The following is an entry in ClinVar:

NM_021101.5(CLDN1):c.18G>C (p.Leu6=)

Genes: CLDN1 (claudin 1; minus strand), CLDN16 (claudin 16; plus strand). Cytogenetic location: 3q28.
Variant type: single nucleotide variant.
Coding change: c.18G>C on transcript NM_021101.5 (MANE Select); coding-DNA position 18, G replaced by C.
Protein change: p.Leu6=; no amino-acid change (leucine 6 retained).
Molecular consequence: synonymous variant. On other transcripts: intron variant (2).
Genome position (GRCh38, 1-based): chr3:190,322,189, C>G on the plus strand (G>C on the coding strand, the complement: CLDN1 is on the minus strand). VCF-style: chr3-190322189-C-G. GRCh37 (hg19) VCF-style: chr3-190039978-C-G.
Other names: c.-279+7130C>G (NM_001378492.1); c.-279+31598C>G (NM_001378493.1).
Identifiers: ClinVar variation 3051909 (VCV003051909.2), dbSNP rs2473916266, ClinGen allele CA437417731.

ClinVar aggregate classification (germline): Likely benign (0 of 4 stars; one submission).

Conditions:
CLDN1-related disorder. Also called: CLDN1-related condition.

Submission:

PreventionGenetics, part of Exact Sciences
Classification: Likely benign for CLDN1-related condition. Last evaluated: 2022-08-30. Review status: no assertion criteria provided. Collection method: clinical testing. Allele origin: germline.
Comment: This variant is classified as likely benign based on ACMG/AMP sequence variant interpretation guidelines (Richards et al. 2015 PMID: 25741868, with internal and published modifications).